The following is an entry in ClinVar:

NM_018451.5(CPAP):c.2992-1G>A

Gene: CPAP (centrosome assembly and centriole elongation protein; minus strand). Cytogenetic location: 13q12.12.
Variant type: single nucleotide variant.
Coding change: c.2992-1G>A on transcript NM_018451.5 (MANE Select); the canonical splice acceptor site of the intron before coding-DNA position 2992, G replaced by A.
Molecular consequence: splice acceptor variant.
Genome position (GRCh38, 1-based): chr13:24,892,868, C>T on the plus strand (G>A on the coding strand, the complement: CPAP is on the minus strand). VCF-style: chr13-24892868-C-T. GRCh37 (hg19) VCF-style: chr13-25467006-C-T.
Identifiers: ClinVar variation 3673753 (VCV003673753.2).

ClinVar aggregate classification (germline): Likely pathogenic (1 of 4 stars; one submission).

Submission:

Labcorp Genetics (formerly Invitae), Labcorp
Classification: Likely pathogenic. Last evaluated: 2025-01-21. Review status: criteria provided, single submitter. Criteria: Invitae Variant Classification Sherloc (09022015). Collection method: clinical testing. Allele origin: germline.
Comment: This sequence change affects an acceptor splice site in intron 9 of the CENPJ gene. It is expected to disrupt RNA splicing. Variants that disrupt the donor or acceptor splice site typically lead to a loss of protein function (PMID: 16199547), and loss-of-function variants in CENPJ are known to be pathogenic (PMID: 15793586, 16900296, 20522431). This variant is not present in population databases (gnomAD no frequency). This variant has not been reported in the literature in individuals affected with CENPJ-related conditions. Algorithms developed to predict the effect of sequence changes on RNA splicing suggest that this variant may disrupt the consensus splice site. In summary, the currently available evidence indicates that the variant is pathogenic, but additional data are needed to prove that conclusively. Therefore, this variant has been classified as Likely Pathogenic.

Literature cited by the submitters: PubMed 16199547; PubMed 15793586; PubMed 16900296; PubMed 20522431.